The following is an entry in ClinVar:

NM_001318852.2(MAPK8IP3):c.2650A>G (p.Asn884Asp)

Gene: MAPK8IP3 (mitogen-activated protein kinase 8 interacting protein 3; plus strand). Cytogenetic location: 16p13.3.
Variant type: single nucleotide variant.
Coding change: c.2650A>G on transcript NM_001318852.2 (MANE Select); coding-DNA position 2650, A replaced by G.
Protein change: p.Asn884Asp; replaces asparagine 884 with aspartic acid.
Molecular consequence: missense variant.
Genome position (GRCh38, 1-based): chr16:1,766,240, A>G. VCF-style: chr16-1766240-A-G. GRCh37 (hg19) VCF-style: chr16-1816241-A-G.
Other names: c.2629A>G, p.Asn877Asp (NM_001040439.2); c.2647A>G, p.Asn883Asp (NM_015133.5); short protein forms N877D, N883D, N884D.
Identifiers: ClinVar variation 3388768 (VCV003388768.14).

ClinVar aggregate classification (germline): Uncertain significance (1 of 4 stars; one submission).

gnomAD v4.1: 80 of 1,610,194 alleles (0.005%); highest among the groups gnomAD compares: Non-Finnish European, 0.0064%; no homozygotes.

Submission:

CeGaT Center for Human Genetics Tuebingen
Classification: Uncertain significance. Last evaluated: 2024-10-01. Review status: criteria provided, single submitter. Criteria: CeGaT Center For Human Genetics Tuebingen Variant Classification Criteria Version 2. Collection method: clinical testing. Allele origin: germline. Affected: yes. Observed: 1 variant allele.
Comment: MAPK8IP3: PM2, BP4